The following is an entry in ClinVar:

ClinVar aggregate classification (germline): Likely benign. Review status: criteria provided, multiple submitters, no conflicts (2 of 4 stars). 2 submissions from 2 submitters: Likely benign (2). Last evaluated 2024-07-31.

Allele frequency attached by ClinVar (database versions not stated): TOPMed below 0.00001; ExAC 0.00002; gnomAD 0.00003.
gnomAD v4.1: 25 of 1,612,616 alleles (0.0016%); highest among the groups gnomAD compares: Admixed American, 0.012%; no homozygotes.

Submissions (2):

Labcorp Genetics (formerly Invitae), Labcorp
Classification: Likely benign. Last evaluated: 2024-07-31. Review status: criteria provided, single submitter. Criteria: Invitae Variant Classification Sherloc (09022015). Collection method: clinical testing. Allele origin: germline.

CeGaT Center for Human Genetics Tuebingen
Classification: Likely benign. Last evaluated: 2022-10-01. Review status: criteria provided, single submitter. Criteria: CeGaT Center For Human Genetics Tuebingen Variant Classification Criteria Version 2. Collection method: clinical testing. Allele origin: germline. Affected: yes. Observed: 1 variant allele.
Comment: GPAA1: BP4, BP7

NM_003801.4(GPAA1):c.838T>C (p.Leu280=)

Gene: GPAA1 (glycosylphosphatidylinositol anchor attachment 1; plus strand). Cytogenetic location: 8q24.3.
Variant type: single nucleotide variant.
Coding change: c.838T>C on transcript NM_003801.4 (MANE Select); coding-DNA position 838, T replaced by C.
Protein change: p.Leu280=; no amino-acid change (leucine 280 retained).
Molecular consequence: synonymous variant.
Genome position (GRCh38, 1-based): chr8:144,084,437, T>C. VCF-style: chr8-144084437-T-C. GRCh37 (hg19) VCF-style: chr8-145139340-T-C.
Identifiers: ClinVar variation 2658967 (VCV002658967.26), dbSNP rs782001103, ClinGen allele CA4932951.